The following is an entry in ClinVar:

ClinVar aggregate classification (germline): Uncertain significance (1 of 4 stars; one submission).

Conditions:
Hereditary cancer-predisposing syndrome. Also called: Neoplastic Syndromes, Hereditary; Tumor predisposition; Hereditary neoplastic syndrome; Hereditary Cancer Syndrome. Identifiers: Orphanet 140162, MedGen C0027672, MeSH D009386, MONDO:0015356.

Submission:

Ambry Genetics
Classification: Uncertain significance for Hereditary cancer-predisposing syndrome. Last evaluated: 2024-06-09. Review status: criteria provided, single submitter. Criteria: Ambry Variant Classification Scheme 2023. Collection method: clinical testing. Allele origin: germline.
Comment: The p.M1063V variant (also known as c.3187A>G), located in coding exon 19 of the PTCH1 gene, results from an A to G substitution at nucleotide position 3187. The methionine at codon 1063 is replaced by valine, an amino acid with highly similar properties. This amino acid position is conserved. In addition, this alteration is predicted to be deleterious by in silico analysis. Based on the available evidence, the clinical significance of this variant remains unclear.

NM_000264.5(PTCH1):c.3187A>G (p.Met1063Val)

Gene: PTCH1 (patched 1; minus strand). Cytogenetic location: 9q22.32.
Variant type: single nucleotide variant.
Coding change: c.3187A>G on transcript NM_000264.5 (MANE Select); coding-DNA position 3187, A replaced by G.
Protein change: p.Met1063Val; replaces methionine 1063 with valine.
Molecular consequence: missense variant. On other transcripts: non-coding transcript variant (1).
Genome position (GRCh38, 1-based): chr9:95,456,395, T>C on the plus strand (A>G on the coding strand, the complement: PTCH1 is on the minus strand). VCF-style: chr9-95456395-T-C. GRCh37 (hg19) VCF-style: chr9-98218677-T-C.
Other names: c.2989A>G, p.Met997Val (NM_001083602.3); c.3184A>G, p.Met1062Val (NM_001083603.3); c.2734A>G, p.Met912Val (NM_001083604.3, NM_001083605.3, NM_001083606.3 and 1 more transcripts); c.3031A>G, p.Met1011Val (NM_001354918.2); short protein forms M912V, M1011V, M1062V, M1063V, M997V.
Identifiers: ClinVar variation 3311197 (VCV003311197.1).
Genomic context (GRCh38, chr9:95,456,395, plus strand): 5'-CGGGCACGGCACTGAGCTTGATTCCGATGAGGCCCATCATGCCGAACAGCTCGACCGTCA[T>C]CAGCGCCAGGACCATCACCTGGAGCAGGGCACACAGTGGTCAGTGGGCGGGCAGGTCACC-3'
Protein context (NP_000255.2, residues 1053-1073): AGIIVMVLAL[Met1063Val]TVELFGMMGL